The following is an entry in ClinVar:

ClinVar aggregate classification (germline): Uncertain significance. Review status: criteria provided, multiple submitters, no conflicts (2 of 4 stars). 2 submissions from 2 submitters: Uncertain significance (2). Last evaluated 2023-05-20.

Conditions:
Metachromatic leukodystrophy (MLD). Also called: METACHROMATIC LEUKOENCEPHALOPATHY; Cerebral sclerosis diffuse metachromatic form; SULFATIDE LIPIDOSIS; Arylsulfatase A Deficiency; ARSA DEFICIENCY; CEREBROSIDE SULFATASE DEFICIENCY. Identifiers: Orphanet 512, MedGen C0023522, MONDO:0018868, OMIM 250100.

Allele frequency attached by ClinVar (database versions not stated): TOPMed 0.00001; ExAC 0.00002; gnomAD exomes 0.00002.

Submissions (2):

Neuberg Centre For Genomic Medicine, NCGM
Classification: Uncertain significance for Metachromatic leukodystrophy. Last evaluated: 2023-05-20. Review status: criteria provided, single submitter. Criteria: ACMG Guidelines, 2015. Collection method: clinical testing. Allele origin: germline. Inheritance: Autosomal recessive inheritance. Affected: yes.
Comment: The splice site donor c.1211-3C>T variant in the ARSA gene has not been reported previously as a pathogenic variant nor as a benign variant, to our knowledge. This variant is reported with the allele frequency (0.003%) in the gnomAD Exomes. This splice variant in intron 3 affects the position of six nucleotides downstream of exon 3. Splice site prediction tools predict a moderate splicing effect for this variant. Further studies are required to prove the pathogenicity of this variant. For these reasons, this variant has been classified as Uncertain Significance.

Labcorp Genetics (formerly Invitae), Labcorp
Classification: Uncertain significance for Metachromatic leukodystrophy. Last evaluated: 2022-08-08. Review status: criteria provided, single submitter. Criteria: Invitae Variant Classification Sherloc (09022015). Collection method: clinical testing. Allele origin: germline.
Comment: This sequence change falls in intron 7 of the ARSA gene. It does not directly change the encoded amino acid sequence of the ARSA protein. It affects a nucleotide within the consensus splice site. This variant is present in population databases (rs748620030, gnomAD 0.03%). This variant has not been reported in the literature in individuals affected with ARSA-related conditions. Variants that disrupt the consensus splice site are a relatively common cause of aberrant splicing (PMID: 17576681, 9536098). Algorithms developed to predict the effect of sequence changes on RNA splicing suggest that this variant is not likely to affect RNA splicing. In summary, the available evidence is currently insufficient to determine the role of this variant in disease. Therefore, it has been classified as a Variant of Uncertain Significance.

Literature cited by the submitters: PubMed 17576681 (cited by Labcorp Genetics (formerly Invitae), Labcorp); PubMed 9536098 (cited by Labcorp Genetics (formerly Invitae), Labcorp).

NM_000487.6(ARSA):c.1211-3C>T

Gene: ARSA (arylsulfatase A; minus strand). Cytogenetic location: 22q13.33.
Variant type: single nucleotide variant.
Coding change: c.1211-3C>T on transcript NM_000487.6 (MANE Select); 3 bases into the intron before coding-DNA position 1211, C replaced by T.
Molecular consequence: intron variant.
Genome position (GRCh38, 1-based): chr22:50,625,467, G>A on the plus strand (C>T on the coding strand, the complement: ARSA is on the minus strand). VCF-style: chr22-50625467-G-A. GRCh37 (hg19) VCF-style: chr22-51063895-G-A.
Other names: c.953-3C>T (NM_001362782.2, NM_001085428.3); c.1211-3C>T (NM_001085427.3, NM_001085426.3, NM_001085425.3).
Identifiers: ClinVar variation 2145946 (VCV002145946.2), dbSNP rs748620030, ClinGen allele CA10324766.